The following is an entry in ClinVar:

NM_012213.3(MLYCD):c.470T>C (p.Leu157Pro)

Gene: MLYCD (malonyl-CoA decarboxylase; plus strand). Cytogenetic location: 16q23.3.
Variant type: single nucleotide variant.
Coding change: c.470T>C on transcript NM_012213.3 (MANE Select); coding-DNA position 470, T replaced by C.
Protein change: p.Leu157Pro; replaces leucine 157 with proline.
Molecular consequence: missense variant.
Genome position (GRCh38, 1-based): chr16:83,899,614, T>C. VCF-style: chr16-83899614-T-C. GRCh37 (hg19) VCF-style: chr16-83933219-T-C.
Other names: short protein forms L157P.
Identifiers: ClinVar variation 2201071 (VCV002201071.5), dbSNP rs1355956986, ClinGen allele CA396918391.
Genomic context (GRCh38, chr16:83,899,614, plus strand): 5'-ATCGCGGCCTCTTCCACCACATCAGCAAGCTGGACGGCGGCGTGCGCTTCCTGGTGCAGC[T>C]GCGGGCCGACCTGCTGGAGGCGCAGGCCCTCAAGCTGGTGGAGGGGCCGGACGTCCGGGT-3'
Protein context (NP_036345.2, residues 147-167): LDGGVRFLVQ[Leu157Pro]RADLLEAQAL

ClinVar aggregate classification (germline): Uncertain significance. Review status: criteria provided, multiple submitters, no conflicts (2 of 4 stars). 2 submissions from 2 submitters: Uncertain significance (2). Last evaluated 2025-04-10.

Conditions:
Inborn genetic diseases. Identifiers: MedGen C0950123, MeSH D030342.
Deficiency of malonyl-CoA decarboxylase. Also called: Malonic aciduria; MCD deficiency. Identifiers: Orphanet 943, MedGen C0342793, MONDO:0009556, OMIM 248360.

gnomAD v4.1: 1 of 1,576,540 alleles (0.000063%); highest among the groups gnomAD compares: Non-Finnish European, 0.000085%; no homozygotes.

Submissions (2):

Ambry Genetics
Classification: Uncertain significance for Inborn genetic diseases. Last evaluated: 2025-04-10. Review status: criteria provided, single submitter. Criteria: Ambry Variant Classification Scheme 2023. Collection method: clinical testing. Allele origin: germline.

Labcorp Genetics (formerly Invitae), Labcorp
Classification: Uncertain significance for Deficiency of malonyl-CoA decarboxylase. Last evaluated: 2022-07-12. Review status: criteria provided, single submitter. Criteria: Invitae Variant Classification Sherloc (09022015). Collection method: clinical testing. Allele origin: germline.
Comment: This variant has not been reported in the literature in individuals affected with MLYCD-related conditions. In summary, the available evidence is currently insufficient to determine the role of this variant in disease. Therefore, it has been classified as a Variant of Uncertain Significance. Advanced modeling of protein sequence and biophysical properties (such as structural, functional, and spatial information, amino acid conservation, physicochemical variation, residue mobility, and thermodynamic stability) performed at Invitae indicates that this missense variant is expected to disrupt MLYCD protein function. The frequency data for this variant in the population databases is considered unreliable, as metrics indicate poor data quality at this position in the gnomAD database. This sequence change replaces leucine, which is neutral and non-polar, with proline, which is neutral and non-polar, at codon 157 of the MLYCD protein (p.Leu157Pro).